The following is an entry in ClinVar:

ClinVar aggregate classification (germline): Conflicting classifications of pathogenicity. Review status: criteria provided, conflicting classifications (1 of 4 stars). 4 submissions from 4 submitters: Uncertain significance (1); Benign (2); Likely benign (1). Last evaluated 2025-10-04.

Conditions:
Familial thoracic aortic aneurysm and aortic dissection (TAAD). Also called: Thoracic aortic aneurysms and dissections. Identifiers: Orphanet 91387, MedGen C4707243, MONDO:0019625.
Aortic aneurysm, familial thoracic 4 (AAT4). Also called: AORTIC ANEURYSM/AORTIC DISSECTION AND PATENT DUCTUS ARTERIOSUS. Identifiers: MedGen C1851504, MONDO:0007568, OMIM 132900.

Allele frequency attached by ClinVar (database versions not stated): gnomAD 0.00001 and 0.00002; TOPMed 0.00003; 1000 Genomes Project 30x 0.00016; 1000 Genomes Project 0.00020.
gnomAD v4.1: 35 of 1,612,276 alleles (0.0022%); highest among the groups gnomAD compares: East Asian, 0.062%; no homozygotes.

Submissions (4):

Labcorp Genetics (formerly Invitae), Labcorp
Classification: Likely benign for Aortic aneurysm, familial thoracic 4. Last evaluated: 2025-10-04. Review status: criteria provided, single submitter. Criteria: Invitae Variant Classification Sherloc (09022015). Collection method: clinical testing. Allele origin: germline.

All of Us Research Program, National Institutes of Health
Classification: Benign for Familial thoracic aortic aneurysm and aortic dissection. Last evaluated: 2024-08-06. Review status: criteria provided, single submitter. Criteria: ACMG Guidelines, 2015. Collection method: clinical testing. Allele origin: germline. Inheritance: Autosomal dominant inheritance. Observed: 4 variant alleles, 4 heterozygotes.
Comment: This study involves interpretation of variants in research participants for the purpose of population health screening. Participant phenotype was not available at the time of variant classification. Additional details can be found in publication PMID: 35346344, PMCID: PMC8962531

Ambry Genetics
Classification: Uncertain significance for Familial thoracic aortic aneurysm and aortic dissection. Last evaluated: 2024-05-07. Review status: criteria provided, single submitter. Criteria: Ambry Variant Classification Scheme 2023. Collection method: clinical testing. Allele origin: germline.
Comment: The c.5614-5G>A intronic variant results from a G to A substitution 5 nucleotides upstream from coding exon 39 in the MYH11 gene. This nucleotide position is not well conserved in available vertebrate species. In silico splice site analysis predicts that this alteration will not have any significant effect on splicing. Based on the available evidence, the clinical significance of this variant remains unclear.

Color Diagnostics, LLC DBA Color Health
Classification: Benign for Familial thoracic aortic aneurysm and aortic dissection. Last evaluated: 2019-02-01. Review status: criteria provided, single submitter. Criteria: ACMG Guidelines, 2015. Collection method: clinical testing. Allele origin: germline.

NM_002474.3(MYH11):c.5614-5G>A

Genes: NDE1 (nudE neurodevelopment protein 1; plus strand), MYH11 (myosin heavy chain 11; minus strand). Cytogenetic location: 16p13.11.
Variant type: single nucleotide variant.
Coding change: c.5614-5G>A on transcript NM_002474.3 (MANE Select); 5 bases into the intron before coding-DNA position 5614, G replaced by A.
Molecular consequence: intron variant.
Genome position (GRCh38, 1-based): chr16:15,715,086, C>T on the plus strand (G>A on the coding strand, the complement: MYH11 is on the minus strand). VCF-style: chr16-15715086-C-T. GRCh37 (hg19) VCF-style: chr16-15808943-C-T.
Other names: c.948-9105C>T (NM_001143979.2, NM_017668.3); c.5614-5G>A (NM_022844.3); c.5635-5G>A (NM_001040114.2, NM_001040113.2).
Identifiers: ClinVar variation 923069 (VCV000923069.14), dbSNP rs201028938, ClinGen allele CA7921184.